The following is an entry in ClinVar:

ClinVar aggregate classification (germline): Benign (1 of 4 stars; one submission).

Conditions:
Juvenile polyposis syndrome (JPS). Identifiers: Orphanet 2929, MedGen C0345893, MONDO:0017380, OMIM 174900.

Submission:

Myriad Genetics, Inc.
Classification: Benign for Juvenile polyposis syndrome. Last evaluated: 2024-08-01. Review status: criteria provided, single submitter. Criteria: Myriad Autosomal Dominant, Autosomal Recessive and X-Linked Classification Criteria (2023). Collection method: clinical testing. Allele origin: unknown.
Comment: This variant is considered benign. This variant is a silent/synonymous amino acid change and it is not expected to impact splicing.

NM_004329.3(BMPR1A):c.603A>C (p.Pro201=)

Gene: BMPR1A (bone morphogenetic protein receptor type 1A; plus strand). Cytogenetic location: 10q23.2.
Variant type: single nucleotide variant.
Coding change: c.603A>C on transcript NM_004329.3 (MANE Select); coding-DNA position 603, A replaced by C.
Protein change: p.Pro201=; no amino-acid change (proline 201 retained).
Molecular consequence: synonymous variant. On other transcripts: non-coding transcript variant (3), intron variant (1).
Genome position (GRCh38, 1-based): chr10:86,912,312, A>C. VCF-style: chr10-86912312-A-C. GRCh37 (hg19) VCF-style: chr10-88672069-A-C.
Other names: c.678A>C, p.Pro226= (NM_001406559.1); c.651A>C, p.Pro217= (NM_001406560.1); c.603A>C, p.Pro201= (NM_001406561.1, NM_001406562.1, NM_001406563.1 and 20 more transcripts); c.519A>C, p.Pro173= (NM_001406584.1, NM_001406585.1, NM_001406586.1 and 2 more transcripts); c.334-4822A>C (NM_001406589.1).
Identifiers: ClinVar variation 3379080 (VCV003379080.1).